The following is an entry in ClinVar:

NM_000053.4(ATP7B):c.1817T>G (p.Val606Gly)

Gene: ATP7B (ATPase copper transporting beta; minus strand). Cytogenetic location: 13q14.3.
Variant type: single nucleotide variant.
Coding change: c.1817T>G on transcript NM_000053.4 (MANE Select); coding-DNA position 1817, T replaced by G.
Protein change: p.Val606Gly; replaces valine 606 with glycine.
Molecular consequence: missense variant. On other transcripts: intron variant (3).
Genome position (GRCh38, 1-based): chr13:51,964,924, A>C on the plus strand (T>G on the coding strand, the complement: ATP7B is on the minus strand). VCF-style: chr13-51964924-A-C. GRCh37 (hg19) VCF-style: chr13-52539060-A-C.
Other names: c.1817T>G, p.Val606Gly (NM_001406528.1, NM_001406531.1, NM_001406532.1 and 24 more transcripts); c.1721T>G, p.Val574Gly (NM_001406530.1, NM_001406536.1, NM_001406517.1 and 3 more transcripts); c.1388T>G, p.Val463Gly (NM_001406539.1); c.1484T>G, p.Val495Gly (NM_001243182.2); c.1784T>G, p.Val595Gly (NM_001406514.1, NM_001406524.1); c.1285+9011T>G (NM_001406548.1); c.1707+3520T>G (NM_001406547.1, NM_001406545.1); short protein forms V495G, V574G, V595G, V606G, V463G.
Identifiers: ClinVar variation 5005267 (VCV005005267.2).

ClinVar aggregate classification (germline): Likely pathogenic (1 of 4 stars; one submission).

Conditions:
Wilson disease (WND). Also called: Wilson's disease. Identifiers: Orphanet 905, MedGen C0019202, MONDO:0010200, OMIM 277900. Disease mechanism: loss of function.

Submission:

Juno Genomics, Hangzhou Juno Genomics, Inc
Classification: Likely pathogenic for Wilson disease. Review status: criteria provided, single submitter. Criteria: ACMG Guidelines, 2015. Collection method: clinical testing. Allele origin: germline.
Comment: Absent from controls (or at extremely low frequency if recessive) in Genome Aggregation Database.;Multiple lines of computational evidence support a deleterious effect on the gene or gene product.;For recessive disorders, detected in trans with a pathogenic variant.;Patient's phenotype or family history is highly specific for a disease with a single genetic etiology.